The following is an entry in ClinVar:

NM_006206.6(PDGFRA):c.2920C>T (p.His974Tyr)

Gene: PDGFRA (platelet derived growth factor receptor alpha; plus strand). Cytogenetic location: 4q12.
Variant type: single nucleotide variant.
Coding change: c.2920C>T on transcript NM_006206.6 (MANE Select); coding-DNA position 2920, C replaced by T.
Protein change: p.His974Tyr; replaces histidine 974 with tyrosine.
Molecular consequence: missense variant.
Genome position (GRCh38, 1-based): chr4:54,290,352, C>T. VCF-style: chr4-54290352-C-T. GRCh37 (hg19) VCF-style: chr4-55156519-C-T.
Other names: c.2995C>T, p.His999Tyr (NM_001347828.2); c.2920C>T, p.His974Tyr (NM_001347829.2); c.2959C>T, p.His987Tyr (NM_001347830.2); short protein forms H999Y, H974Y, H987Y.
Identifiers: ClinVar variation 1797708 (VCV001797708.2), dbSNP rs2475565066, ClinGen allele CA356895997.

ClinVar aggregate classification (germline): Uncertain significance (1 of 4 stars; one submission).

Conditions:
Hereditary cancer-predisposing syndrome. Also called: Neoplastic Syndromes, Hereditary; Tumor predisposition; Hereditary Cancer Syndrome; Hereditary neoplastic syndrome. Identifiers: Orphanet 140162, MedGen C0027672, MeSH D009386, MONDO:0015356.

Submission:

Ambry Genetics
Classification: Uncertain significance for Hereditary cancer-predisposing syndrome. Last evaluated: 2021-09-26. Review status: criteria provided, single submitter. Criteria: Ambry Variant Classification Scheme 2023. Collection method: clinical testing. Allele origin: germline.
Comment: The p.H974Y variant (also known as c.2920C>T), located in coding exon 21 of the PDGFRA gene, results from a C to T substitution at nucleotide position 2920. The histidine at codon 974 is replaced by tyrosine, an amino acid with similar properties. This amino acid position is conserved. In addition, the in silico prediction for this alteration is inconclusive. Since supporting evidence is limited at this time, the clinical significance of this alteration remains unclear.